The following is an entry in ClinVar:

ClinVar aggregate classification (germline): Benign. Review status: criteria provided, multiple submitters, no conflicts (2 of 4 stars). 2 submissions from 2 submitters: Benign (2). Last evaluated 2018-06-14.

Allele frequency attached by ClinVar (database versions not stated): gnomAD 0.18751 and 0.19325; TOPMed 0.19349; 1000 Genomes Project 30x 0.25297; 1000 Genomes Project 0.25879.
gnomAD v4.1: 309,010 of 1,460,062 alleles (21%); highest among the groups gnomAD compares: East Asian, 63%; 40,656 homozygotes.

Submissions (5):

GeneDx
Classification: Benign. Last evaluated: 2018-06-14. Review status: criteria provided, single submitter. Criteria: GeneDx Variant Classification (06012015). Collection method: clinical testing. Allele origin: germline. Affected: yes.
Comment: This variant is considered likely benign or benign based on one or more of the following criteria: it is a conservative change, it occurs at a poorly conserved position in the protein, it is predicted to be benign by multiple in silico algorithms, and/or has population frequency not consistent with disease.

Breakthrough Genomics
Classification: Benign. Review status: criteria provided, single submitter. Criteria: ACMG Guidelines, 2015. Collection method: not provided. Allele origin: germline. Inheritance: Autosomal recessive inheritance. Affected: yes.

Dr. Peter K. Rogan Lab, Western University
No classification provided (evidence only). Condition: Uterine carcinosarcoma. Review status: no classification provided. Collection method: in vitro. Allele origin: not applicable. Functional consequence: retained intron. Not counted in ClinVar's aggregate classification.

Dr. Peter K. Rogan Lab, Western University
No classification provided (evidence only). Condition: Uterine carcinosarcoma. Review status: no classification provided. Collection method: in vitro. Allele origin: not applicable. Functional consequence: retained intron. Not counted in ClinVar's aggregate classification.

Dr. Peter K. Rogan Lab, Western University
No classification provided (evidence only). Condition: Uveal melanoma. Review status: no classification provided. Collection method: in vitro. Allele origin: not applicable. Functional consequence: retained intron. Not counted in ClinVar's aggregate classification.

NM_003383.5(VLDLR):c.1312+119C>G

Gene: VLDLR (very low density lipoprotein receptor; plus strand). Cytogenetic location: 9p24.2.
Variant type: single nucleotide variant.
Coding change: c.1312+119C>G on transcript NM_003383.5 (MANE Select); 119 bases into the intron after coding-DNA position 1312, C replaced by G.
Molecular consequence: intron variant.
Genome position (GRCh38, 1-based): chr9:2,645,201, C>G. VCF-style: chr9-2645201-C-G. GRCh37 (hg19) VCF-style: chr9-2645201-C-G.
Other names: NC_000009.11:g.2645201C>G; c.1312+119C>G (NM_001018056.3); c.1189+119C>G (NM_001322225.2, NM_001322226.2).
Identifiers: ClinVar variation 670838 (VCV000670838.3), dbSNP rs2290465, ClinGen allele CA15616791.